The following is an entry in ClinVar:

NM_000182.5(HADHA):c.573+1G>A

Gene: HADHA (hydroxyacyl-CoA dehydrogenase trifunctional multienzyme complex subunit alpha; minus strand). Cytogenetic location: 2p23.3.
Variant type: single nucleotide variant.
Coding change: c.573+1G>A on transcript NM_000182.5 (MANE Select); the canonical splice donor site of the intron after coding-DNA position 573, G replaced by A.
Molecular consequence: splice donor variant.
Genome position (GRCh38, 1-based): chr2:26,232,159, C>T on the plus strand (G>A on the coding strand, the complement: HADHA is on the minus strand). VCF-style: chr2-26232159-C-T. GRCh37 (hg19) VCF-style: chr2-26455027-C-T.
Identifiers: ClinVar variation 2922404 (VCV002922404.3), dbSNP rs2465595752, ClinGen allele CA346092670.

ClinVar aggregate classification (germline): Likely pathogenic (1 of 4 stars; one submission).

Conditions:
Long chain 3-hydroxyacyl-CoA dehydrogenase deficiency. Also called: Deficiency of long-chain 3-hydroxyacyl-coenzyme A dehydrogenase; LCHAD Deficiency. Identifiers: Orphanet 5, MedGen C3711645, MONDO:0012173, OMIM 609016.
Mitochondrial trifunctional protein deficiency. Identifiers: Orphanet 746, MedGen C1969443, MONDO:0012172.

Allele frequency attached by ClinVar (database versions not stated): gnomAD exomes below 0.00001.
gnomAD v4.1: 1 of 1,609,976 alleles (0.000062%); highest among the groups gnomAD compares: Non-Finnish European, 0.000085%; no homozygotes.

Submission:

Labcorp Genetics (formerly Invitae), Labcorp
Classification: Likely pathogenic for Mitochondrial trifunctional protein deficiency; Long chain 3-hydroxyacyl-CoA dehydrogenase deficiency. Last evaluated: 2024-01-24. Review status: criteria provided, single submitter. Criteria: Invitae Variant Classification Sherloc (09022015). Collection method: clinical testing. Allele origin: germline.
Comment: This sequence change affects a donor splice site in intron 6 of the HADHA gene. It is expected to disrupt RNA splicing. Variants that disrupt the donor or acceptor splice site typically lead to a loss of protein function (PMID: 16199547), and loss-of-function variants in HADHA are known to be pathogenic (PMID: 7738175, 21103935, 21549624, 22459206). This variant is not present in population databases (gnomAD no frequency). This variant has not been reported in the literature in individuals affected with HADHA-related conditions. Algorithms developed to predict the effect of sequence changes on RNA splicing suggest that this variant may disrupt the consensus splice site. In summary, the currently available evidence indicates that the variant is pathogenic, but additional data are needed to prove that conclusively. Therefore, this variant has been classified as Likely Pathogenic.

Literature cited by the submitters: PubMed 16199547; PubMed 7738175; PubMed 21103935; PubMed 21549624; PubMed 22459206.